The following is an entry in ClinVar:

NM_002299.4(LCT):c.3712C>G (p.Pro1238Ala)

Gene: LCT (lactase; minus strand). Cytogenetic location: 2q21.3.
Variant type: single nucleotide variant.
Coding change: c.3712C>G on transcript NM_002299.4 (MANE Select); coding-DNA position 3712, C replaced by G.
Protein change: p.Pro1238Ala; replaces proline 1238 with alanine.
Molecular consequence: missense variant.
Genome position (GRCh38, 1-based): chr2:135,808,635, G>C on the plus strand (C>G on the coding strand, the complement: LCT is on the minus strand). VCF-style: chr2-135808635-G-C. GRCh37 (hg19) VCF-style: chr2-136566205-G-C.
Other names: short protein forms P1238A.
Identifiers: ClinVar variation 1491686 (VCV001491686.8), dbSNP rs868727079, ClinGen allele CA348598733.

ClinVar aggregate classification (germline): Uncertain significance (1 of 4 stars; one submission).

Submission:

Labcorp Genetics (formerly Invitae), Labcorp
Classification: Uncertain significance. Last evaluated: 2024-05-08. Review status: criteria provided, single submitter. Criteria: Invitae Variant Classification Sherloc (09022015). Collection method: clinical testing. Allele origin: germline.
Comment: This sequence change replaces proline with alanine at codon 1238 of the LCT protein (p.Pro1238Ala). The proline residue is weakly conserved and there is a small physicochemical difference between proline and alanine. This variant is not present in population databases (gnomAD no frequency). This variant has not been reported in the literature in individuals affected with LCT-related conditions. ClinVar contains an entry for this variant (Variation ID: 1491686). Advanced modeling of protein sequence and biophysical properties (such as structural, functional, and spatial information, amino acid conservation, physicochemical variation, residue mobility, and thermodynamic stability) performed at Invitae indicates that this missense variant is not expected to disrupt LCT protein function with a negative predictive value of 80%. In summary, the available evidence is currently insufficient to determine the role of this variant in disease. Therefore, it has been classified as a Variant of Uncertain Significance.